The following is an entry in ClinVar:

ClinVar aggregate classification (germline): Pathogenic. Review status: reviewed by expert panel (3 of 4 stars). 3 submissions from 3 submitters: Pathogenic (1). 2 of the submissions do not count toward it. Last evaluated 2016-10-18.

Conditions:
Hereditary breast ovarian cancer syndrome. Also called: Hereditary breast and ovarian cancer syndrome (HBOC); Breast and ovarian cancer; Hereditary breast and ovarian cancer syndrome; Hereditary breast and ovarian cancer; BRCA1- and BRCA2-Associated Hereditary Breast and Ovarian Cancer; Hereditary breast and/or ovarian cancer syndrome. Identifiers: Orphanet 145, MedGen C0677776, MeSH D061325, MONDO:0003582. Disease mechanism: loss of function.
Breast-ovarian cancer, familial, susceptibility to, 1 (BROVCA1). Also called: BRCA1 Hereditary Breast and Ovarian Cancer; OVARIAN CANCER, SUSCEPTIBILITY TO. Identifiers: Orphanet 145, MedGen C2676676, MONDO:0011450, OMIM 604370. Disease mechanism: loss of function.

Submissions (3):

Evidence-based Network for the Interpretation of Germline Mutant Alleles (ENIGMA)
Classification: Pathogenic for Breast-ovarian cancer, familial, susceptibility to, 1. Last evaluated: 2016-10-18. Review status: reviewed by expert panel. Criteria: ENIGMA BRCA1/2 Classification Criteria (2015). Collection method: curation. Allele origin: germline.
Comment: Variant allele predicted to encode a truncated non-functional protein.

Labcorp Genetics (formerly Invitae), Labcorp
Classification: Pathogenic for Hereditary breast ovarian cancer syndrome. Last evaluated: 2023-09-10. Review status: criteria provided, single submitter. Criteria: Invitae Variant Classification Sherloc (09022015). Collection method: clinical testing. Allele origin: germline. Not counted in ClinVar's aggregate classification.
Comment: For these reasons, this variant has been classified as Pathogenic. ClinVar contains an entry for this variant (Variation ID: 266153). This premature translational stop signal has been observed in individual(s) with BRCA1-related conditions (PMID: 29446198). This variant is not present in population databases (gnomAD no frequency). This sequence change creates a premature translational stop signal (p.Ser426*) in the BRCA1 gene. It is expected to result in an absent or disrupted protein product. Loss-of-function variants in BRCA1 are known to be pathogenic (PMID: 20104584).

Consortium of Investigators of Modifiers of BRCA1/2 (CIMBA), c/o University of Cambridge
Classification: Pathogenic for Breast-ovarian cancer, familial, susceptibility to, 1. Last evaluated: 2015-10-02. Review status: criteria provided, single submitter. Criteria: CIMBA Mutation Classification guidelines May 2016. Collection method: clinical testing. Allele origin: germline. Not counted in ClinVar's aggregate classification.

Literature cited by the submitters: PubMed 29446198 (cited by Labcorp Genetics (formerly Invitae), Labcorp); PubMed 20104584 (cited by Labcorp Genetics (formerly Invitae), Labcorp).

NM_007294.4(BRCA1):c.1277C>G (p.Ser426Ter)

Gene: BRCA1 (BRCA1 DNA repair associated; minus strand). Cytogenetic location: 17q21.31.
Variant type: single nucleotide variant.
Coding change: c.1277C>G on transcript NM_007294.4 (MANE Select); coding-DNA position 1277, C replaced by G.
Protein change: p.Ser426Ter; replaces serine 426 with a stop codon.
Molecular consequence: nonsense. On other transcripts: intron variant (137).
Genome position (GRCh38, 1-based): chr17:43,094,254, G>C on the plus strand (C>G on the coding strand, the complement: BRCA1 is on the minus strand). VCF-style: chr17-43094254-G-C. GRCh37 (hg19) VCF-style: chr17-41246271-G-C.
Other names: 1396C>G (S426X); c.1274C>G, p.Ser425Ter (NM_001407635.1, NM_001407636.1, NM_001407637.1 and 22 more transcripts); c.1277C>G, p.Ser426Ter (NM_001407639.1, NM_001407640.1, NM_001407641.1 and 30 more transcripts); c.1199C>G, p.Ser400Ter (NM_001407656.1, NM_001407657.1, NM_001407658.1 and 4 more transcripts); c.1196C>G, p.Ser399Ter (NM_001407659.1, NM_001407660.1, NM_001407661.1 and 1 more transcripts); c.1154C>G, p.Ser385Ter (NM_001407664.1, NM_001407665.1, NM_001407675.1 and 19 more transcripts); c.1136C>G, p.Ser379Ter (NM_001407695.1, NM_001407696.1, NM_001407697.1 and 29 more transcripts); c.1133C>G, p.Ser378Ter (NM_001407740.1, NM_001407741.1, NM_001407742.1 and 20 more transcripts); and 41 more; short protein forms S426*, S379*, S298*, S299*, S338*, S355*, S356*, S400*.
Identifiers: ClinVar variation 266153 (VCV000266153.9), dbSNP rs886039939, ClinGen allele CA10589951.
Genomic context (GRCh38, chr17:43,094,254, plus strand): 5'-CTTTCACTTTTACATATTAAAGCCTCATGAGGATCACTGGCCAGTAAGTCTATTTTCTCT[G>C]AAGAACCAGAATATTCATCTACCTCATTTAGAACGTCCAATACATCAGCTACTTTGGCAT-3'